The following is an entry in ClinVar:

ClinVar aggregate classification (germline): Uncertain significance (1 of 4 stars; one submission).

Conditions:
Legius syndrome. Identifiers: Orphanet 137605, MedGen C1969623, MONDO:0012669, OMIM 611431. Disease mechanism: loss of function.

Allele frequency attached by ClinVar (database versions not stated): gnomAD exomes below 0.00001.
gnomAD v4.1: 3 of 1,614,062 alleles (0.00019%); highest among the groups gnomAD compares: Admixed American, 0.0017%; no homozygotes.

Submission:

Labcorp Genetics (formerly Invitae), Labcorp
Classification: Uncertain significance for Legius syndrome. Last evaluated: 2022-09-01. Review status: criteria provided, single submitter. Criteria: Invitae Variant Classification Sherloc (09022015). Collection method: clinical testing. Allele origin: germline.
Comment: This variant is present in population databases (no rsID available, gnomAD 0.003%). This sequence change replaces serine, which is neutral and polar, with leucine, which is neutral and non-polar, at codon 392 of the SPRED1 protein (p.Ser392Leu). This variant has not been reported in the literature in individuals affected with SPRED1-related conditions. In summary, the available evidence is currently insufficient to determine the role of this variant in disease. Therefore, it has been classified as a Variant of Uncertain Significance. Algorithms developed to predict the effect of missense changes on protein structure and function (SIFT, PolyPhen-2, Align-GVGD) all suggest that this variant is likely to be disruptive. ClinVar contains an entry for this variant (Variation ID: 1356671).

NM_152594.3(SPRED1):c.1175C>T (p.Ser392Leu)

Gene: SPRED1 (sprouty related EVH1 domain containing 1; plus strand). Cytogenetic location: 15q14.
Variant type: single nucleotide variant.
Coding change: c.1175C>T on transcript NM_152594.3 (MANE Select); coding-DNA position 1175, C replaced by T.
Protein change: p.Ser392Leu; replaces serine 392 with leucine.
Molecular consequence: missense variant.
Genome position (GRCh38, 1-based): chr15:38,351,504, C>T. VCF-style: chr15-38351504-C-T. GRCh37 (hg19) VCF-style: chr15-38643705-C-T.
Other names: short protein forms S392L.
Identifiers: ClinVar variation 1356671 (VCV001356671.6), dbSNP rs1345810751, ClinGen allele CA391934435.